The following is an entry in ClinVar:

NM_000044.6(AR):c.646G>A (p.Gly216Arg)

Gene: AR (androgen receptor; plus strand). Cytogenetic location: Xq12.
Variant type: single nucleotide variant.
Coding change: c.646G>A on transcript NM_000044.6 (MANE Select); coding-DNA position 646, G replaced by A.
Protein change: p.Gly216Arg; replaces glycine 216 with arginine.
Molecular consequence: missense variant. On other transcripts: 5 prime UTR variant (1).
Genome position (GRCh38, 1-based): chrX:67,545,792, G>A. VCF-style: chrX-67545792-G-A. GRCh37 (hg19) VCF-style: chrX-66765634-G-A.
Other names: c.-1138G>A (NM_001011645.3); c.646G>A, p.Gly216Arg (NM_001348061.1, NM_001348063.1, NM_001348064.1); short protein forms G216R.
Identifiers: ClinVar variation 979153 (VCV000979153.9), dbSNP rs199554641, ClinGen allele CA10436305.

ClinVar aggregate classification (germline): Benign. Review status: criteria provided, multiple submitters, no conflicts (2 of 4 stars). 2 submissions from 2 submitters: Benign (2). Last evaluated 2026-02-04.

Conditions:
Androgen resistance syndrome (AIS). Also called: ANDROGEN RECEPTOR DEFICIENCY; Androgen insensitivity syndrome; Androgen insensitivity, complete; Androgen insensitivity; DIHYDROTESTOSTERONE RECEPTOR DEFICIENCY; TESTICULAR FEMINIZATION SYNDROME. Identifiers: Orphanet 754, Orphanet 99429, MedGen C0039585, MONDO:0019154, OMIM 300068. Disease mechanism: loss of function.
Kennedy disease (SMAX1). Also called: SPINAL AND BULBAR MUSCULAR ATROPHY, X-LINKED 1; KENNEDY SPINAL AND BULBAR MUSCULAR ATROPHY; Spinal and Bulbar Muscular Atrophy. Identifiers: Orphanet 481, MedGen C1839259, MONDO:0010735, OMIM 313200.

Allele frequency attached by ClinVar (database versions not stated): TOPMed 0.00010; 1000 Genomes Project 30x 0.00520; 1000 Genomes Project 0.00556.
gnomAD v4.1: 765 of 1,210,719 alleles (0.063%); highest among the groups gnomAD compares: South Asian, 1.2%; 7 homozygotes.

Submissions (2):

Labcorp Genetics (formerly Invitae), Labcorp
Classification: Benign for Kennedy disease; Androgen resistance syndrome. Last evaluated: 2026-02-04. Review status: criteria provided, single submitter. Criteria: Invitae Variant Classification Sherloc (09022015). Collection method: clinical testing. Allele origin: germline.

Broad Center for Mendelian Genomics, Broad Institute of MIT and Harvard
Classification: Benign for Androgen resistance syndrome. Review status: criteria provided, single submitter. Criteria: ACMG Guidelines, 2015. Collection method: research. Allele origin: germline. Inheritance: X-linked inheritance. Affected: yes.
Comment: This variant has been identified in >1% South Asian chromosomes and 93 hemizygotes by ExAC. In vitro functional studies provide some evidence that the p.Gly216Arg variant may not impact protein function (PMID: 25500996). However, these types of assays may not accurately represent biological function. In summary, this variant meets criteria to be classified as benign for X-linked recessive androgen insensitivity syndrome.

Literature cited by the submitters: PubMed 9788719 (cited by Broad Center for Mendelian Genomics, Broad Institute of MIT and Harvard); PubMed 22995991 (cited by Broad Center for Mendelian Genomics, Broad Institute of MIT and Harvard).